The following is an entry in ClinVar:

ClinVar aggregate classification (germline): Uncertain significance (1 of 4 stars; one submission).

Conditions:
Parkinsonism with polyneuropathy. Identifiers: Orphanet 611237, MedGen C5543299, MONDO:0036193, OMIM 619279.

Submission:

Laboratorio de Genetica e Diagnostico Molecular, Hospital Israelita Albert Einstein
Classification: Uncertain significance for Parkinsonism with polyneuropathy. Last evaluated: 2024-05-08. Review status: criteria provided, single submitter. Criteria: ACMG Guidelines, 2015. Collection method: clinical testing. Allele origin: germline. Affected: yes.
Comment: ACMG classification criteria: PM2 supporting, BP4 supporting

NM_003365.3(UQCRC1):c.65G>T (p.Arg22Leu)

Genes: UQCRC1 (ubiquinol-cytochrome c reductase core protein 1; minus strand), LOC129936714 (ATAC-STARR-seq lymphoblastoid active region 19838; plus strand). Cytogenetic location: 3p21.31.
Variant type: single nucleotide variant.
Coding change: c.65G>T on transcript NM_003365.3 (MANE Select); coding-DNA position 65, G replaced by T.
Protein change: p.Arg22Leu; replaces arginine 22 with leucine.
Molecular consequence: missense variant.
Genome position (GRCh38, 1-based): chr3:48,609,556, C>A on the plus strand (G>T on the coding strand, the complement: UQCRC1 is on the minus strand). VCF-style: chr3-48609556-C-A. GRCh37 (hg19) VCF-style: chr3-48646989-C-A.
Other names: short protein forms R22L.
Identifiers: ClinVar variation 4076294 (VCV004076294.1).